The following is an entry in ClinVar:

NM_080473.5(GATA5):c.1175G>A (p.Cys392Tyr)

Gene: GATA5 (GATA binding protein 5; minus strand). Cytogenetic location: 20q13.33.
Variant type: single nucleotide variant.
Coding change: c.1175G>A on transcript NM_080473.5 (MANE Select); coding-DNA position 1175, G replaced by A.
Protein change: p.Cys392Tyr; replaces cysteine 392 with tyrosine.
Molecular consequence: missense variant.
Genome position (GRCh38, 1-based): chr20:62,464,855, C>T on the plus strand (G>A on the coding strand, the complement: GATA5 is on the minus strand). VCF-style: chr20-62464855-C-T. GRCh37 (hg19) VCF-style: chr20-61039911-C-T.
Other names: short protein forms C392Y.
Identifiers: ClinVar variation 1509212 (VCV001509212.10), dbSNP rs782345116, ClinGen allele CA9946012.

ClinVar aggregate classification (germline): Uncertain significance. Review status: criteria provided, multiple submitters, no conflicts (2 of 4 stars). 3 submissions from 3 submitters: Uncertain significance (3). Last evaluated 2024-10-06.

Conditions:
Congenital heart defects, multiple types, 5. Identifiers: MedGen C4693563, MONDO:0060663, OMIM 617912.

Allele frequency attached by ClinVar (database versions not stated): gnomAD 0.00001; gnomAD exomes 0.00002 and 0.00003; TOPMed 0.00003; ExAC 0.00004.
gnomAD v4.1: 34 of 1,607,582 alleles (0.0021%); highest among the groups gnomAD compares: Middle Eastern, 0.093%; no homozygotes.

Submissions (3):

Labcorp Genetics (formerly Invitae), Labcorp
Classification: Uncertain significance. Last evaluated: 2024-10-06. Review status: criteria provided, single submitter. Criteria: Invitae Variant Classification Sherloc (09022015). Collection method: clinical testing. Allele origin: germline.
Comment: This sequence change replaces cysteine, which is neutral and slightly polar, with tyrosine, which is neutral and polar, at codon 392 of the GATA5 protein (p.Cys392Tyr). This variant is present in population databases (rs782345116, gnomAD 0.009%). This variant has not been reported in the literature in individuals affected with GATA5-related conditions. ClinVar contains an entry for this variant (Variation ID: 1509212). An algorithm developed to predict the effect of missense changes on protein structure and function (PolyPhen-2) suggests that this variant is likely to be disruptive. Algorithms developed to predict the effect of sequence changes on RNA splicing suggest that this variant may create or strengthen a splice site. In summary, the available evidence is currently insufficient to determine the role of this variant in disease. Therefore, it has been classified as a Variant of Uncertain Significance.

Genomic Medicine Center of Excellence, King Faisal Specialist Hospital and Research Centre
Classification: Uncertain significance for Congenital heart defects, multiple types, 5. Last evaluated: 2024-03-29. Review status: criteria provided, single submitter. Criteria: ACMG Guidelines, 2015. Collection method: clinical testing. Allele origin: germline.

Women's Health and Genetics/Laboratory Corporation of America, LabCorp
Classification: Uncertain significance. Last evaluated: 2022-12-06. Review status: criteria provided, single submitter. Criteria: LabCorp Variant Classification Summary - May 2015. Collection method: clinical testing. Allele origin: germline.
Comment: Variant summary: GATA5 c.1175G>A (p.Cys392Tyr) results in a non-conservative amino acid change in the encoded protein sequence. Four of five in-silico tools predict a damaging effect of the variant on protein function. The variant allele was found at a frequency of 3.3e-05 in 246026 control chromosomes (gnomAD). The available data on variant occurrences in the general population are insufficient to allow any conclusion about variant significance. To our knowledge, no occurrence of c.1175G>A in individuals affected with Congenital Heart Defects, Multiple Types, 5 and no experimental evidence demonstrating its impact on protein function have been reported. One clinical diagnostic laboratory has submitted clinical-significance assessments for this variant to ClinVar after 2014 and classified the variant as uncertain significance. Based on the evidence outlined above, the variant was classified as uncertain significance.